The following is an entry in ClinVar:

ClinVar aggregate classification (germline): Uncertain significance (1 of 4 stars; one submission).

Allele frequency attached by ClinVar (database versions not stated): gnomAD exomes 0.00001; gnomAD 0.00001; TOPMed 0.00001; ExAC below 0.00001.

Submission:

Labcorp Genetics (formerly Invitae), Labcorp
Classification: Uncertain significance. Last evaluated: 2022-08-23. Review status: criteria provided, single submitter. Criteria: Invitae Variant Classification Sherloc (09022015). Collection method: clinical testing. Allele origin: germline.
Comment: In summary, the available evidence is currently insufficient to determine the role of this variant in disease. Therefore, it has been classified as a Variant of Uncertain Significance. Variants that disrupt the consensus splice site are a relatively common cause of aberrant splicing (PMID: 17576681, 9536098). Algorithms developed to predict the effect of sequence changes on RNA splicing suggest that this variant may disrupt the consensus splice site. Algorithms developed to predict the effect of missense changes on protein structure and function (SIFT, PolyPhen-2, Align-GVGD) all suggest that this variant is likely to be tolerated. ClinVar contains an entry for this variant (Variation ID: 239140). This variant has not been reported in the literature in individuals affected with EPCAM-related conditions. The frequency data for this variant in the population databases is considered unreliable, as metrics indicate poor data quality at this position in the gnomAD database. This sequence change replaces glutamic acid, which is acidic and polar, with lysine, which is basic and polar, at codon 26 of the EPCAM protein (p.Glu26Lys). This variant also falls at the last nucleotide of exon 1, which is part of the consensus splice site for this exon.

Literature cited by the submitters: PubMed 17576681; PubMed 9536098.

NM_002354.3(EPCAM):c.76G>A (p.Glu26Lys)

Gene: EPCAM (epithelial cell adhesion molecule; plus strand). Cytogenetic location: 2p21.
Variant type: single nucleotide variant.
Coding change: c.76G>A on transcript NM_002354.3 (MANE Select); coding-DNA position 76, G replaced by A.
Protein change: p.Glu26Lys; replaces glutamic acid 26 with lysine.
Molecular consequence: missense variant.
Genome position (GRCh38, 1-based): chr2:47,369,581, G>A. VCF-style: chr2-47369581-G-A. GRCh37 (hg19) VCF-style: chr2-47596720-G-A.
Other names: short protein forms E26K.
Identifiers: ClinVar variation 239140 (VCV000239140.7), dbSNP rs764492954, ClinGen allele CA1648812.
Genomic context (GRCh38, chr2:47,369,581, plus strand): 5'-GTCCTCGCGTTCGGGCTTCTGCTTGCCGCGGCGACGGCGACTTTTGCCGCAGCTCAGGAA[G>A]GTGAGGCGCGGATTGGAGCAGAGTTGTGGAGCTGGGCTGGGCTGGGGGGCAGCGGCCCCC-3'
Protein context (NP_002345.2, residues 16-36): ATATFAAAQE[Glu26Lys]CVCENYKLAV